The following is an entry in ClinVar:

ClinVar aggregate classification (germline): Likely benign (1 of 4 stars; one submission).

Conditions:
BBIP1-related disorder. Also called: BBIP1-related condition.

Submission:

PreventionGenetics, part of Exact Sciences
Classification: Likely benign for BBIP1-related condition. Last evaluated: 2025-03-09. Review status: criteria provided, single submitter. Criteria: ACMG Guidelines, 2015. Collection method: clinical testing. Allele origin: germline.
Comment: This variant is classified as likely benign based on ACMG/AMP sequence variant interpretation guidelines (Richards et al. 2015 PMID: 25741868, with internal and published modifications).

NM_001195305.3(BBIP1):c.38-6102C>T

Gene: BBIP1 (BBSome interacting protein 1; minus strand). Cytogenetic location: 10q25.2.
Variant type: single nucleotide variant.
Coding change: c.38-6102C>T on transcript NM_001195305.3 (MANE Select); 6102 bases into the intron before coding-DNA position 38, C replaced by T.
Molecular consequence: intron variant. On other transcripts: synonymous variant (1).
Genome position (GRCh38, 1-based): chr10:110,907,714, G>A on the plus strand (C>T on the coding strand, the complement: BBIP1 is on the minus strand). VCF-style: chr10-110907714-G-A. GRCh37 (hg19) VCF-style: chr10-112667472-G-A.
Other names: c.160C>T, p.Leu54= (NM_001195304.2); c.38-6102C>T (NM_001195306.2); c.-29-6102C>T (NM_001243783.3); c.38-7188C>T (NM_001195307.2).
Identifiers: ClinVar variation 5000983 (VCV005000983.1).